The following is an entry in ClinVar:

ClinVar aggregate classification (germline): Uncertain significance. Review status: criteria provided, multiple submitters, no conflicts (2 of 4 stars). 4 submissions from 4 submitters: Uncertain significance (2). 2 of the submissions do not count toward it. Last evaluated 2021-08-26.

Conditions:
GFI1B-related disorder. Also called: GFI1B-related condition.
Platelet-type bleeding disorder 17 (BDPLT17). Also called: Thrombasthenia-thrombocytopenia, hereditary. Identifiers: Orphanet 721, MedGen C1861194, MONDO:0008553, OMIM 187900.

Allele frequency attached by ClinVar (database versions not stated): gnomAD 0.00002 and 0.00005; TOPMed 0.00002; ExAC 0.00007; 1000 Genomes Project 30x 0.00047; 1000 Genomes Project 0.00060; gnomAD exomes 0.00004.
gnomAD v4.1: 113 of 1,613,896 alleles (0.007%); highest among the groups gnomAD compares: South Asian, 0.038%; no homozygotes.

Submissions (4):

Blueprint Genetics
Classification: Uncertain significance. Last evaluated: 2021-08-26. Review status: criteria provided, single submitter. Criteria: ACMG Guidelines, 2015. Collection method: clinical testing. Allele origin: germline.

Fulgent Genetics
Classification: Uncertain significance for Platelet-type bleeding disorder 17. Last evaluated: 2021-07-22. Review status: criteria provided, single submitter. Criteria: ACMG Guidelines, 2015. Collection method: clinical testing. Allele origin: unknown.

PreventionGenetics, part of Exact Sciences
Classification: Uncertain significance for GFI1B-related condition. Last evaluated: 2024-07-22. Review status: no assertion criteria provided. Collection method: clinical testing. Allele origin: germline. Not counted in ClinVar's aggregate classification.
Comment: The GFI1B c.551G>A variant is predicted to result in the amino acid substitution p.Arg184His. To our knowledge, this variant has not been reported in the literature. This variant is reported in 0.023% of alleles in individuals of South Asian descent in gnomAD. At this time, the clinical significance of this variant is uncertain due to the absence of conclusive functional and genetic evidence.

ISTH-SSC Genomics in Thrombosis and Hemostasis, KU Leuven, Center for Molecular and Vascular Biology
Classification: Uncertain significance for Platelet-type bleeding disorder 17. Review status: no assertion criteria provided. Collection method: research. Allele origin: unknown. Affected: yes. Not counted in ClinVar's aggregate classification.
Comment: Submitted to GoldVariant by Dr Karyn Mégy from NIHR Bioresource - Cambridge University, UK

NM_001377304.1(GFI1B):c.551G>A (p.Arg184His)

Gene: GFI1B (growth factor independent 1B transcriptional repressor; plus strand). Cytogenetic location: 9q34.13.
Variant type: single nucleotide variant.
Coding change: c.551G>A on transcript NM_001377304.1 (MANE Select); coding-DNA position 551, G replaced by A.
Protein change: p.Arg184His; replaces arginine 184 with histidine.
Molecular consequence: missense variant. On other transcripts: intron variant (2).
Genome position (GRCh38, 1-based): chr9:132,989,101, G>A. VCF-style: chr9-132989101-G-A. GRCh37 (hg19) VCF-style: chr9-135864488-G-A.
Other names: c.551G>A (NM_004188.6); c.551G>A, p.Arg184His (NM_001371908.1, NM_004188.8); c.510+633G>A (NM_001135031.2, NM_001377305.1); short protein forms R184H.
Identifiers: ClinVar variation 1684451 (VCV001684451.5), dbSNP rs570058270, ClinGen allele CA5301992.